The following is an entry in ClinVar:

NM_000038.6(APC):c.3603A>G (p.Ser1201=)

Gene: APC (APC regulator of Wnt signaling pathway; plus strand). Cytogenetic location: 5q22.2.
Variant type: single nucleotide variant.
Coding change: c.3603A>G on transcript NM_000038.6 (MANE Select); coding-DNA position 3603, A replaced by G.
Protein change: p.Ser1201=; no amino-acid change (serine 1201 retained).
Molecular consequence: synonymous variant.
Genome position (GRCh38, 1-based): chr5:112,839,197, A>G. VCF-style: chr5-112839197-A-G. GRCh37 (hg19) VCF-style: chr5-112174894-A-G.
Other names: c.3426A>G, p.Ser1142= (NM_001354901.2); c.3330A>G, p.Ser1110= (NM_001354902.2); c.3300A>G, p.Ser1100= (NM_001354903.2); c.3225A>G, p.Ser1075= (NM_001354904.2); c.3123A>G, p.Ser1041= (NM_001354905.2); c.2754A>G, p.Ser918= (NM_001354906.2); c.3603A>G, p.Ser1201= (NM_001127510.3, NM_001354895.2); c.3549A>G, p.Ser1183= (NM_001127511.3); and 5 more.
Identifiers: ClinVar variation 764503 (VCV000764503.16), dbSNP rs760339669, ClinGen allele CA035809.

ClinVar aggregate classification (germline): Benign/Likely benign. Review status: criteria provided, multiple submitters, no conflicts (2 of 4 stars). 3 submissions from 3 submitters: Benign (1); Likely benign (2). Last evaluated 2026-01-07.

Conditions:
Hereditary cancer-predisposing syndrome. Also called: Tumor predisposition; Neoplastic Syndromes, Hereditary; Hereditary Cancer Syndrome; Hereditary neoplastic syndrome. Identifiers: Orphanet 140162, MedGen C0027672, MeSH D009386, MONDO:0015356.
Familial adenomatous polyposis 1 (FAP1). Also called: FAMILIAL ADENOMATOUS POLYPOSIS 1, ATTENUATED; POLYPOSIS, ADENOMATOUS INTESTINAL. Identifiers: MedGen C2713442, MONDO:0021056, OMIM 175100. Disease mechanism: loss of function.

Allele frequency attached by ClinVar (database versions not stated): gnomAD exomes below 0.00001 and 0.00001; TOPMed below 0.00001; ExAC 0.00001.
gnomAD v4.1: 2 of 1,614,178 alleles (0.00012%); highest among the groups gnomAD compares: Admixed American, 0.0033%; no homozygotes.

Submissions (3):

Labcorp Genetics (formerly Invitae), Labcorp
Classification: Likely benign for Familial adenomatous polyposis 1. Last evaluated: 2026-01-07. Review status: criteria provided, single submitter. Criteria: Invitae Variant Classification Sherloc (09022015). Collection method: clinical testing. Allele origin: germline.

Myriad Genetics, Inc.
Classification: Benign for Familial adenomatous polyposis 1. Last evaluated: 2024-03-21. Review status: criteria provided, single submitter. Criteria: Myriad Autosomal Dominant, Autosomal Recessive and X-Linked Classification Criteria (2023). Collection method: clinical testing. Allele origin: unknown.
Comment: This variant is considered benign. This variant is a silent/synonymous amino acid change and it is not expected to impact splicing.

Ambry Genetics
Classification: Likely benign for Hereditary cancer-predisposing syndrome. Last evaluated: 2018-09-27. Review status: criteria provided, single submitter. Criteria: Ambry Variant Classification Scheme 2023. Collection method: clinical testing. Allele origin: germline.